The following is an entry in ClinVar:

NM_000548.5(TSC2):c.2265_2268del (p.Glu755fs)

Gene: TSC2 (TSC complex subunit 2; plus strand). Cytogenetic location: 16p13.3.
Variant type: Deletion.
Coding change: c.2265_2268del on transcript NM_000548.5 (MANE Select); coding-DNA positions 2265 to 2268, 4 bases deleted (AGGC; older notation c.2265_2268delAGGC).
Protein change: p.Glu755fs; shifts the reading frame from glutamic acid 755.
Molecular consequence: frameshift variant. On other transcripts: non-coding transcript variant (5).
Genome position (GRCh38, 1-based): chr16:2,072,893-2,072,896, AGGC deleted. VCF-style (leftmost placement, unchanged base first): chr16-2072892-AAGGC-A. GRCh37 (hg19) VCF-style: chr16-2122893-AAGGC-A.
Other names: c.2253_2256del, p.Glu751fs (NM_001406671.1, NM_001406673.1); c.2118_2121del, p.Glu706fs (NM_001406675.1, NM_001406676.1, NM_001406679.1 and 1 more transcripts); c.2208_2211del, p.Glu736fs (NM_001406677.1); c.2154_2157del, p.Glu718fs (NM_001406678.1, NM_001318827.2, NM_001406670.1); c.1665_1668del, p.Glu555fs (NM_001406680.1, NM_001406682.1, NM_001318831.2 and 6 more transcripts); c.1803_1806del, p.Glu601fs (NM_001406681.1); c.2265_2268del, p.Glu755fs (NM_001077183.3, NM_001114382.3, NM_001363528.2 and 6 more transcripts); c.2298_2301del, p.Glu766fs (NM_001318832.2); and 4 more; short protein forms E221fs, E555fs, E706fs, E736fs, E751fs, E307fs, E718fs, E766fs.
Identifiers: ClinVar variation 2710533 (VCV002710533.5), dbSNP rs2543764309, ClinGen allele CA2697549488.

ClinVar aggregate classification (germline): Pathogenic. Review status: criteria provided, multiple submitters, no conflicts (2 of 4 stars). 2 submissions from 2 submitters: Pathogenic (2). Last evaluated 2024-02-14.

Conditions:
Tuberous sclerosis syndrome (TSC). Also called: Tuberous Sclerosis Complex; Tuberous sclerosis. Identifiers: Orphanet 805, MedGen C0041341, MONDO:0001734.
Tuberous sclerosis 2 (TSC2). Identifiers: Orphanet 805, MedGen C1860707, MONDO:0013199, OMIM 613254.

Submissions (2):

Women's Health and Genetics/Laboratory Corporation of America, LabCorp
Classification: Pathogenic for Tuberous sclerosis syndrome. Last evaluated: 2024-02-14. Review status: criteria provided, single submitter. Criteria: LabCorp Variant Classification Summary - May 2015. Collection method: clinical testing. Allele origin: germline.
Comment: Variant summary: TSC2 c.2265_2268delAGGC (p.Glu755AspfsX15) results in a premature termination codon, predicted to cause a truncation of the encoded protein or absence of the protein due to nonsense mediated decay, which are commonly known mechanisms for disease. The variant was absent in 251046 control chromosomes. To our knowledge, no occurrence of c.2265_2268delAGGC in individuals affected with Tuberous Sclerosis Complex and no experimental evidence demonstrating its impact on protein function have been reported. No submitters have cited clinical-significance assessments for this variant to ClinVar. Based on the evidence outlined above, the variant was classified as pathogenic.

Labcorp Genetics (formerly Invitae), Labcorp
Classification: Pathogenic for Tuberous sclerosis 2. Last evaluated: 2024-01-21. Review status: criteria provided, single submitter. Criteria: Invitae Variant Classification Sherloc (09022015). Collection method: clinical testing. Allele origin: germline.
Comment: This sequence change creates a premature translational stop signal (p.Glu755Aspfs*15) in the TSC2 gene. It is expected to result in an absent or disrupted protein product. Loss-of-function variants in TSC2 are known to be pathogenic (PMID: 10205261, 17304050). This variant is not present in population databases (gnomAD no frequency). This variant has not been reported in the literature in individuals affected with TSC2-related conditions. Algorithms developed to predict the effect of sequence changes on RNA splicing suggest that this variant may disrupt the consensus splice site. For these reasons, this variant has been classified as Pathogenic.

Literature cited by the submitters: PubMed 10205261 (cited by Labcorp Genetics (formerly Invitae), Labcorp); PubMed 17304050 (cited by Labcorp Genetics (formerly Invitae), Labcorp).